The following is an entry in ClinVar:

ClinVar aggregate classification (germline): Uncertain significance. Review status: criteria provided, multiple submitters, no conflicts (2 of 4 stars). 2 submissions from 2 submitters: Uncertain significance (2). Last evaluated 2024-03-11.

gnomAD v4.1: 4 of 1,593,846 alleles (0.00025%); highest among the groups gnomAD compares: Non-Finnish European, 0.00034%; no homozygotes.

Submissions (2):

Ambry Genetics
Classification: Uncertain significance. Last evaluated: 2024-03-11. Review status: criteria provided, single submitter. Criteria: Ambry Variant Classification Scheme 2023. Collection method: clinical testing. Allele origin: germline.
Comment: The p.E71K variant (also known as c.211G>A), located in coding exon 2 of the RASA2 gene, results from a G to A substitution at nucleotide position 211. The glutamic acid at codon 71 is replaced by lysine, an amino acid with similar properties. This amino acid position is conserved. In addition, the in silico prediction for this alteration is inconclusive. Based on the available evidence, the clinical significance of this alteration remains unclear.

Labcorp Genetics (formerly Invitae), Labcorp
Classification: Uncertain significance. Last evaluated: 2022-11-23. Review status: criteria provided, single submitter. Criteria: Invitae Variant Classification Sherloc (09022015). Collection method: clinical testing. Allele origin: germline.
Comment: This variant has not been reported in the literature in individuals affected with RASA2-related conditions. Advanced modeling of protein sequence and biophysical properties (such as structural, functional, and spatial information, amino acid conservation, physicochemical variation, residue mobility, and thermodynamic stability) performed at Invitae indicates that this missense variant is expected to disrupt RASA2 protein function. In summary, the available evidence is currently insufficient to determine the role of this variant in disease. Therefore, it has been classified as a Variant of Uncertain Significance. This variant is present in population databases (no rsID available, gnomAD 0.002%). This sequence change replaces glutamic acid, which is acidic and polar, with lysine, which is basic and polar, at codon 71 of the RASA2 protein (p.Glu71Lys).

NM_006506.5(RASA2):c.211G>A (p.Glu71Lys)

Gene: RASA2 (RAS p21 protein activator 2; plus strand). Cytogenetic location: 3q23.
Variant type: single nucleotide variant.
Coding change: c.211G>A on transcript NM_006506.5 (MANE Select); coding-DNA position 211, G replaced by A.
Protein change: p.Glu71Lys; replaces glutamic acid 71 with lysine.
Molecular consequence: missense variant.
Genome position (GRCh38, 1-based): chr3:141,512,240, G>A. VCF-style: chr3-141512240-G-A. GRCh37 (hg19) VCF-style: chr3-141231082-G-A.
Other names: c.211G>A (NM_006506.2); c.211G>A, p.Glu71Lys (NM_001303245.3, NM_001303246.3); short protein forms E71K.
Identifiers: ClinVar variation 2976785 (VCV002976785.4), dbSNP rs1275494554, ClinGen allele CA354779453.